The following is an entry in ClinVar:

ClinVar aggregate classification (germline): Likely pathogenic (1 of 4 stars; one submission).

Conditions:
Congenital disorder of deglycosylation (CDDG). Identifiers: MedGen C3808991, MONDO:0031376.

Submission:

3billion
Classification: Likely pathogenic for Congenital disorder of deglycosylation 1. Last evaluated: 2022-01-03. Review status: criteria provided, single submitter. Criteria: ACMG Guidelines, 2015. Collection method: clinical testing. Allele origin: germline. Affected: yes. Observed: 1 homozygote.
Comment: Frameshift: predicted to result in a loss or disruption of normal protein function through nonsense-mediated decay (NMD) or protein truncation. Multiple pathogenic variants are reported downstream of the variant (PVS1_VS). It is not observed in the gnomAD v2.1.1 dataset (PM2_M). Therefore, this variant is classified as likely pathogenic according to the recommendation of ACMG/AMP guideline.

NM_018297.4(NGLY1):c.1358del (p.Gly453fs)

Gene: NGLY1 (N-glycanase 1; minus strand). Cytogenetic location: 3p24.2.
Variant type: Deletion.
Coding change: c.1358del on transcript NM_018297.4 (MANE Select); coding-DNA position 1358, one base deleted (G; older notation c.1358delG).
Protein change: p.Gly453fs; shifts the reading frame from glycine 453.
Molecular consequence: frameshift variant.
Genome position (GRCh38, 1-based): chr3:25,732,386, C deleted on the plus strand (G on the coding strand, the reverse complement: NGLY1 is on the minus strand); the first of 2 consecutive C bases (chr3:25,732,386-25,732,387); deleting either gives the same sequence. VCF-style (leftmost placement, unchanged base first): chr3-25732385-TC-T. GRCh37 (hg19) VCF-style: chr3-25773876-TC-T.
Other names: c.1304del, p.Gly435fs (NM_001145293.2); c.1232del, p.Gly411fs (NM_001145294.2); c.1358del, p.Gly453fs (NM_001145295.2); short protein forms G411fs, G435fs, G453fs.
Identifiers: ClinVar variation 1333295 (VCV001333295.1), dbSNP rs2125466047, ClinGen allele CA2573052134.